The following is an entry in ClinVar:

NM_000130.5(F5):c.2228C>A (p.Ser743Ter)

Gene: F5 (coagulation factor V; minus strand). Cytogenetic location: 1q24.2.
Variant type: single nucleotide variant.
Coding change: c.2228C>A on transcript NM_000130.5 (MANE Select); coding-DNA position 2228, C replaced by A.
Protein change: p.Ser743Ter; replaces serine 743 with a stop codon.
Molecular consequence: nonsense.
Genome position (GRCh38, 1-based): chr1:169,542,862, G>T on the plus strand (C>A on the coding strand, the complement: F5 is on the minus strand). VCF-style: chr1-169542862-G-T. GRCh37 (hg19) VCF-style: chr1-169512100-G-T.
Other names: short protein forms S743*.
Identifiers: ClinVar variation 2761343 (VCV002761343.3), dbSNP rs764010406, ClinGen allele CA1234125.

ClinVar aggregate classification (germline): Pathogenic (1 of 4 stars; one submission).

Conditions:
Congenital factor V deficiency. Also called: OWREN PARAHEMOPHILIA; PARAHEMOPHILIA; Hereditary factor V deficiency disease; LABILE FACTOR DEFICIENCY. Identifiers: Orphanet 326, MedGen C0015499, MONDO:0009210, OMIM 227400.

Allele frequency attached by ClinVar (database versions not stated): ExAC 0.00001.
gnomAD v4.1: 1 of 1,614,164 alleles (0.000062%); highest among the groups gnomAD compares: South Asian, 0.0011%; no homozygotes.

Submission:

Labcorp Genetics (formerly Invitae), Labcorp
Classification: Pathogenic for Congenital factor V deficiency. Last evaluated: 2023-09-17. Review status: criteria provided, single submitter. Criteria: Invitae Variant Classification Sherloc (09022015). Collection method: clinical testing. Allele origin: germline.
Comment: This variant has not been reported in the literature in individuals affected with F5-related conditions. For these reasons, this variant has been classified as Pathogenic. This variant is present in population databases (rs764010406, gnomAD 0.003%). This sequence change creates a premature translational stop signal (p.Ser743*) in the F5 gene. It is expected to result in an absent or disrupted protein product. Loss-of-function variants in F5 are known to be pathogenic (PMID: 30924984).

Literature cited by the submitters: PubMed 30924984.